The following is an entry in ClinVar:

NM_002633.3(PGM1):c.1400C>A (p.Thr467Asn)

Gene: PGM1 (phosphoglucomutase 1; plus strand). Cytogenetic location: 1p31.3.
Variant type: single nucleotide variant.
Coding change: c.1400C>A on transcript NM_002633.3 (MANE Select); coding-DNA position 1400, C replaced by A.
Protein change: p.Thr467Asn; replaces threonine 467 with asparagine.
Molecular consequence: missense variant.
Genome position (GRCh38, 1-based): chr1:63,651,788, C>A. VCF-style: chr1-63651788-C-A. GRCh37 (hg19) VCF-style: chr1-64117459-C-A.
Other names: p.Thr467Asn; c.1454C>A, p.Thr485Asn (NM_001172818.1); c.809C>A, p.Thr270Asn (NM_001172819.2); short protein forms T467N, T485N, T270N.
Identifiers: ClinVar variation 297888 (VCV000297888.20), dbSNP rs150266274, ClinGen allele CA889820.

ClinVar aggregate classification (germline): Conflicting classifications of pathogenicity. Review status: criteria provided, conflicting classifications (1 of 4 stars). 5 submissions from 5 submitters: Uncertain significance (1); Benign (2); Likely benign (1). 1 of the submissions does not count toward it. Last evaluated 2026-02-01.

Conditions:
PGM1-related disorder. Also called: PGM1-related condition; PGM1-related disorders.
PGM1-congenital disorder of glycosylation. Also called: Congenital disorder of glycosylation type 1t; PHOSPHOGLUCOMUTASE 1 DEFICIENCY; PGM1 DEFICIENCY; GLYCOGEN STORAGE DISEASE XIV; GSD XIV; CDG It. Identifiers: Orphanet 319646, MedGen C2752015, MONDO:0013968, OMIM 614921.

Allele frequency attached by ClinVar (database versions not stated): ESP Exome Variant Server 0.00015; 1000 Genomes Project 30x 0.00016; 1000 Genomes Project 0.00020; TOPMed 0.00023; gnomAD 0.00128 and 0.00137; ExAC 0.00132; gnomAD exomes 0.00134.
gnomAD v4.1: 1,107 of 1,613,986 alleles (0.069%); highest among the groups gnomAD compares: Non-Finnish European, 0.026%; 4 homozygotes.

Submissions (5):

Labcorp Genetics (formerly Invitae), Labcorp
Classification: Benign for PGM1-congenital disorder of glycosylation. Last evaluated: 2026-02-01. Review status: criteria provided, single submitter. Criteria: Invitae Variant Classification Sherloc (09022015). Collection method: clinical testing. Allele origin: germline.

Mayo Clinic Laboratories, Mayo Clinic
Classification: Benign. Last evaluated: 2024-10-31. Review status: criteria provided, single submitter. Criteria: ACMG Guidelines, 2015. Collection method: clinical testing. Allele origin: germline. Observed: 2 variant alleles.
Comment: BS1, BS2, BP4

Blueprint Genetics
Classification: Likely benign. Last evaluated: 2024-10-22. Review status: criteria provided, single submitter. Criteria: ACMG Guidelines, 2015. Collection method: clinical testing. Allele origin: germline.

Illumina Laboratory Services, Illumina
Classification: Uncertain significance for PGM1-congenital disorder of glycosylation. Last evaluated: 2018-01-13. Review status: criteria provided, single submitter. Criteria: ICSL Variant Classification Criteria 13 December 2019. Collection method: clinical testing. Allele origin: germline.

PreventionGenetics, part of Exact Sciences
Classification: Benign for PGM1-related condition. Last evaluated: 2020-11-06. Review status: no assertion criteria provided. Collection method: clinical testing. Allele origin: germline. Not counted in ClinVar's aggregate classification.
Comment: This variant is classified as benign based on ACMG/AMP sequence variant interpretation guidelines (Richards et al. 2015 PMID: 25741868, with internal and published modifications).